The following is an entry in ClinVar:

NM_000336.3(SCNN1B):c.585+3A>C

Gene: SCNN1B (sodium channel epithelial 1 subunit beta; plus strand). Cytogenetic location: 16p12.2.
Variant type: single nucleotide variant.
Coding change: c.585+3A>C on transcript NM_000336.3 (MANE Select); 3 bases into the intron after coding-DNA position 585, A replaced by C.
Molecular consequence: intron variant.
Genome position (GRCh38, 1-based): chr16:23,353,077, A>C. VCF-style: chr16-23353077-A-C. GRCh37 (hg19) VCF-style: chr16-23364398-A-C.
Other names: c.585+3A>C (NM_001410900.1).
Identifiers: ClinVar variation 2573782 (VCV002573782.4), dbSNP rs2506427017, ClinGen allele CA2580613438.
Genomic context (GRCh38, chr16:23,353,077, plus strand): 5'-CAGCTCAGCATCAGAAAAGATCTGTAATGCCCACGGGTGCAAAATGGCCATGAGACTAGT[A>C]AGTGGTCCCTGGGCACATATCAAGCAATGGGCCCCACCCAGTGAGGCTGATGGGTGTTTC-3'

ClinVar aggregate classification (germline): Uncertain significance. Review status: criteria provided, multiple submitters, no conflicts (2 of 4 stars). 2 submissions from 2 submitters: Uncertain significance (2). Last evaluated 2024-01-29.

Submissions (2):

Labcorp Genetics (formerly Invitae), Labcorp
Classification: Uncertain significance. Last evaluated: 2024-01-29. Review status: criteria provided, single submitter. Criteria: Invitae Variant Classification Sherloc (09022015). Collection method: clinical testing. Allele origin: germline.
Comment: This sequence change falls in intron 3 of the SCNN1B gene. It does not directly change the encoded amino acid sequence of the SCNN1B protein. It affects a nucleotide within the consensus splice site. This variant is not present in population databases (gnomAD no frequency). This variant has not been reported in the literature in individuals affected with SCNN1B-related conditions. ClinVar contains an entry for this variant (Variation ID: 2573782). Variants that disrupt the consensus splice site are a relatively common cause of aberrant splicing (PMID: 17576681, 9536098). Algorithms developed to predict the effect of sequence changes on RNA splicing suggest that this variant may disrupt the consensus splice site. In summary, the available evidence is currently insufficient to determine the role of this variant in disease. Therefore, it has been classified as a Variant of Uncertain Significance.

GeneDx
Classification: Uncertain significance. Last evaluated: 2023-01-19. Review status: criteria provided, single submitter. Criteria: GeneDx Variant Classification Process June 2021. Collection method: clinical testing. Allele origin: germline. Affected: yes.
Comment: Not observed at significant frequency in large population cohorts (gnomAD); In silico analysis supports a deleterious effect on splicing; Has not been previously published as pathogenic or benign to our knowledge

Literature cited by the submitters: PubMed 17576681 (cited by Labcorp Genetics (formerly Invitae), Labcorp); PubMed 9536098 (cited by Labcorp Genetics (formerly Invitae), Labcorp).